The following is an entry in ClinVar:

ClinVar aggregate classification (germline): Pathogenic. Review status: criteria provided, multiple submitters, no conflicts (2 of 4 stars). 2 submissions from 2 submitters: Pathogenic (2). Last evaluated 2025-07-23.

Allele frequency attached by ClinVar (database versions not stated): gnomAD exomes below 0.00001; TOPMed 0.00001.
gnomAD v4.1: 2 of 1,578,606 alleles (0.00013%); highest among the groups gnomAD compares: Admixed American, 0.0018%; no homozygotes.

Submissions (2):

GeneDx
Classification: Pathogenic. Last evaluated: 2025-07-23. Review status: criteria provided, single submitter. Criteria: GeneDx Variant Classification Process June 2021. Collection method: clinical testing. Allele origin: germline. Affected: yes.
Comment: Nonsense variant predicted to result in protein truncation or nonsense mediated decay in a gene for which loss of function is a known mechanism of disease; Not observed at significant frequency in large population cohorts (gnomAD); This variant is associated with the following publications: (PMID: 30459346)

Labcorp Genetics (formerly Invitae), Labcorp
Classification: Pathogenic. Last evaluated: 2023-10-14. Review status: criteria provided, single submitter. Criteria: Invitae Variant Classification Sherloc (09022015). Collection method: clinical testing. Allele origin: germline.
Comment: This sequence change creates a premature translational stop signal (p.Lys2078*) in the MYO7A gene. It is expected to result in an absent or disrupted protein product. Loss-of-function variants in MYO7A are known to be pathogenic (PMID: 8900236, 25404053). This variant is not present in population databases (gnomAD no frequency). This premature translational stop signal has been observed in individual(s) with Usher syndrome (PMID: 30459346). ClinVar contains an entry for this variant (Variation ID: 1455394). Algorithms developed to predict the effect of sequence changes on RNA splicing suggest that this variant may create or strengthen a splice site. For these reasons, this variant has been classified as Pathogenic.

Literature cited by the submitters: PubMed 8900236 (cited by Labcorp Genetics (formerly Invitae), Labcorp); PubMed 25404053 (cited by Labcorp Genetics (formerly Invitae), Labcorp); PubMed 30459346 (cited by Labcorp Genetics (formerly Invitae), Labcorp).

NM_000260.4(MYO7A):c.6232A>T (p.Lys2078Ter)

Gene: MYO7A (myosin VIIA; plus strand). Cytogenetic location: 11q13.5.
Variant type: single nucleotide variant.
Coding change: c.6232A>T on transcript NM_000260.4 (MANE Select); coding-DNA position 6232, A replaced by T.
Protein change: p.Lys2078Ter; replaces lysine 2078 with a stop codon.
Molecular consequence: nonsense.
Genome position (GRCh38, 1-based): chr11:77,211,332, A>T. VCF-style: chr11-77211332-A-T. GRCh37 (hg19) VCF-style: chr11-76922377-A-T.
Other names: c.6232A>T (NM_000260.3); c.6118A>T, p.Lys2040Ter (NM_001127180.2); c.6085A>T, p.Lys2029Ter (NM_001369365.1); short protein forms K2040*, K2078*, K2029*.
Identifiers: ClinVar variation 1455394 (VCV001455394.9), dbSNP rs1957851371, ClinGen allele CA381936362.